The following is an entry in ClinVar:

ClinVar aggregate classification (germline): Benign. Review status: criteria provided, multiple submitters, no conflicts (2 of 4 stars). 2 submissions from 2 submitters: Benign (2). Last evaluated 2018-01-12.

Conditions:
Thyroid hormone resistance, generalized, autosomal dominant (GRTHD). Also called: HYPERTHYROXINEMIA, FAMILIAL EUTHYROID, SECONDARY TO PITUITARY AND PERIPHERAL RESISTANCE TO THYROID HORMONES. Identifiers: MedGen C2937288, MONDO:0008569, OMIM 188570.

Allele frequency attached by ClinVar (database versions not stated): gnomAD exomes 0.00079; 1000 Genomes Project 0.00519; 1000 Genomes Project 30x 0.00562; gnomAD 0.00563 and 0.00610; TOPMed 0.00681.
gnomAD v4.1: 1,306 of 698,384 alleles (0.19%); highest among the groups gnomAD compares: African/African-American, 1.8%; 10 homozygotes.

Submissions (2):

Illumina Laboratory Services, Illumina
Classification: Benign for Thyroid hormone resistance, generalized, autosomal dominant. Last evaluated: 2018-01-12. Review status: criteria provided, single submitter. Criteria: ICSL Variant Classification Criteria 13 December 2019. Collection method: clinical testing. Allele origin: germline.
Comment: This variant was observed in the ICSL laboratory as part of a predisposition screen in an ostensibly healthy population. It had not been previously curated by ICSL or reported in the Human Gene Mutation Database (HGMD: prior to June 1st, 2018), and was therefore a candidate for classification through an automated scoring system. Utilizing variant allele frequency, disease prevalence and penetrance estimates, and inheritance mode, an automated score was calculated to assess if this variant is too frequent to cause the disease. Based on the score and internal cut-off values, a variant classified as benign is not then subjected to further curation. The score for this variant resulted in a classification of benign for this disease.

Breakthrough Genomics
Classification: Benign. Review status: criteria provided, single submitter. Criteria: ACMG Guidelines, 2015. Collection method: not provided. Allele origin: germline. Inheritance: Autosomal recessive inheritance. Affected: yes.

NM_001354712.2(THRB):c.*195C>T

Gene: THRB (thyroid hormone receptor beta; minus strand). Cytogenetic location: 3p24.2.
Variant type: single nucleotide variant.
Coding change: c.*195C>T on transcript NM_001354712.2 (MANE Select); 195 bases downstream of the stop codon, C replaced by T.
Molecular consequence: 3 prime UTR variant.
Genome position (GRCh38, 1-based): chr3:24,122,689, G>A on the plus strand (C>T on the coding strand, the complement: THRB is on the minus strand). VCF-style: chr3-24122689-G-A. GRCh37 (hg19) VCF-style: chr3-24164180-G-A.
Other names: c.*195C>T (NM_000461.5, NM_001128176.3, NM_001128177.2 and 8 more transcripts).
Identifiers: ClinVar variation 344634 (VCV000344634.6), dbSNP rs149091062, ClinGen allele CA10615547.